The following is an entry in ClinVar:

NM_004281.4(BAG3):c.277dup (p.Tyr93fs)

Gene: BAG3 (BAG cochaperone 3; plus strand). Cytogenetic location: 10q26.11.
Variant type: Duplication.
Coding change: c.277dup on transcript NM_004281.4 (MANE Select); coding-DNA position 277, one base duplicated (T; older notation c.277dupT).
Protein change: p.Tyr93fs; shifts the reading frame from tyrosine 93.
Molecular consequence: frameshift variant.
Genome position (GRCh38, 1-based): chr10:119,669,947, T duplicated. VCF-style (leftmost placement, unchanged base first): chr10-119669946-C-CT. GRCh37 (hg19) VCF-style: chr10-121429458-C-CT.
Other names: c.277dupT (NM_004281.3); short protein forms Y93fs.
Identifiers: ClinVar variation 566318 (VCV000566318.6), dbSNP rs1564773589, ClinGen allele CA891843318.
Genomic context (GRCh38, chr10:119,669,946, plus strand): 5'-GGGCTCTAGGCTGCCGCCTGCTAGGGAAGGCCACCCTGTGTACCCCCAGCTCCGACCAGG[C>CT]TACATTCCCATTCCTGTGCTCCATGAAGGCGCTGAGAACCGGCAGGTGCACCCTTTCCAT-3'

ClinVar aggregate classification (germline): Pathogenic (1 of 4 stars; one submission).

Conditions:
Myofibrillar myopathy 6. Identifiers: Orphanet 199340, MedGen C2751831, MONDO:0013061, OMIM 612954.
Dilated cardiomyopathy 1HH (CMD1HH). Identifiers: Orphanet 154, MedGen C3151293, MONDO:0013479, OMIM 613881.

Submission:

Labcorp Genetics (formerly Invitae), Labcorp
Classification: Pathogenic for Dilated cardiomyopathy 1HH; Myofibrillar myopathy 6. Last evaluated: 2018-04-22. Review status: criteria provided, single submitter. Criteria: Invitae Variant Classification Sherloc (09022015). Collection method: clinical testing. Allele origin: germline.
Comment: For these reasons, this variant has been classified as Pathogenic. Loss-of-function variants in BAG3 are known to be pathogenic (PMID: 21353195, 25008357). This variant has not been reported in the literature in individuals with BAG3-related disease. This variant is not present in population databases (ExAC no frequency). This sequence change creates a premature translational stop signal (p.Tyr93Leufs*9) in the BAG3 gene. It is expected to result in an absent or disrupted protein product.

Literature cited by the submitters: PubMed 21353195; PubMed 25008357.